The following is an entry in ClinVar:

NM_004360.5(CDH1):c.1008+2T>G

Gene: CDH1 (cadherin 1; plus strand). Cytogenetic location: 16q22.1.
Variant type: single nucleotide variant.
Coding change: c.1008+2T>G on transcript NM_004360.5 (MANE Select); the canonical splice donor site of the intron after coding-DNA position 1008, T replaced by G.
Molecular consequence: splice donor variant.
Genome position (GRCh38, 1-based): chr16:68,811,861, T>G. VCF-style: chr16-68811861-T-G. GRCh37 (hg19) VCF-style: chr16-68845764-T-G.
Other names: c.-608+2T>G (NM_001317185.2); c.-812+2T>G (NM_001317186.2); c.1008+2T>G (NM_001317184.2).
Identifiers: ClinVar variation 2502933 (VCV002502933.1), dbSNP rs1060501237, ClinGen allele CA396459908.
Genomic context (GRCh38, chr16:68,811,861, plus strand): 5'-TCACCATTAACAGGAACACAGGAGTCATCAGTGTGGTCACCACTGGGCTGGACCGAGAGG[T>G]CAGGGGTCAGGAGGATCCAGAGGGTGTGGAGGACAAATGTGTATTAGCTCAATCCCGTGG-3'

ClinVar aggregate classification (germline): Likely pathogenic (1 of 4 stars; one submission).

Conditions:
Hereditary diffuse gastric adenocarcinoma (HDGC). Also called: DIFFUSE GASTRIC AND LOBULAR BREAST CANCER SYNDROME. Identifiers: Orphanet 26106, MedGen C1708349, MONDO:0007648, OMIM 137215.

Submission:

European Reference Network on Genetic Tumour Risk Syndromes (ERN-GENTURIS), i3s - Instituto de Investigação e Inovação em Saúde, University of Porto
Classification: Likely pathogenic for Hereditary diffuse gastric adenocarcinoma. Last evaluated: 2022-08-01. Review status: criteria provided, single submitter. Criteria: Lee et al. (Hum Mutat. 2018). Collection method: clinical testing. Allele origin: germline. Inheritance: Autosomal dominant inheritance. Affected: yes. Study: ERN GENTURIS.
Comment: PVS1_Strong; PS4_Moderate; PM2 (PMID: 30311375)

Literature cited by the submitters: PubMed 36436516; PubMed 28688938.